The following is an entry in ClinVar:

NM_005477.3(HCN4):c.2474A>T (p.His825Leu)

Gene: HCN4 (hyperpolarization activated cyclic nucleotide gated potassium channel 4; minus strand). Cytogenetic location: 15q24.1.
Variant type: single nucleotide variant.
Coding change: c.2474A>T on transcript NM_005477.3 (MANE Select); coding-DNA position 2474, A replaced by T.
Protein change: p.His825Leu; replaces histidine 825 with leucine.
Molecular consequence: missense variant.
Genome position (GRCh38, 1-based): chr15:73,323,619, T>A on the plus strand (A>T on the coding strand, the complement: HCN4 is on the minus strand). VCF-style: chr15-73323619-T-A. GRCh37 (hg19) VCF-style: chr15-73615960-T-A.
Other names: short protein forms H825L.
Identifiers: ClinVar variation 1791816 (VCV001791816.2), dbSNP rs2549068967, ClinGen allele CA393088824.
Genomic context (GRCh38, chr15:73,323,619, plus strand): 5'-CTGCTGGCGGGCGAGGCGGAGCCCAGCGCAGAAGGGATCAGGGACTGCAGCCGTTTCAGG[T>A]GCCTTGGCGTCTGCCCGGCACCGAGGTTGCCCAGCCCAGATCCTGGGGGAGGGCGGAAGA-3'
Protein context (NP_005468.1, residues 815-835): GNLGAGQTPR[His825Leu]LKRLQSLIPS

ClinVar aggregate classification (germline): Uncertain significance (1 of 4 stars; one submission).

Conditions:
Cardiovascular phenotype. Identifiers: MedGen CN230736.

Submission:

Ambry Genetics
Classification: Uncertain significance for Cardiovascular phenotype. Last evaluated: 2022-03-04. Review status: criteria provided, single submitter. Criteria: Ambry Variant Classification Scheme 2023. Collection method: clinical testing. Allele origin: germline.
Comment: The p.H825L variant (also known as c.2474A>T), located in coding exon 8 of the HCN4 gene, results from an A to T substitution at nucleotide position 2474. The histidine at codon 825 is replaced by leucine, an amino acid with similar properties. This amino acid position is conserved. In addition, this alteration is predicted to be tolerated by in silico analysis. Since supporting evidence is limited at this time, the clinical significance of this alteration remains unclear.